The following is an entry in ClinVar:

ClinVar aggregate classification (germline): Pathogenic (1 of 4 stars; one submission).

Conditions:
Immunodeficiency 14 (IMD14A). Also called: Activated PI3K Delta Syndrome Type 1 (APDS1); p110-DELTA-ACTIVATING MUTATION CAUSING SENESCENT T CELLS, LYMPHADENOPATHY, AND IMMUNODEFICIENCY; IMMUNODEFICIENCY 14A WITH LYMPHOPROLIFERATION, AUTOSOMAL DOMINANT; ACTIVATED PI3K-DELTA SYNDROME 1. Identifiers: Orphanet 397596, Orphanet 693661, MedGen C5907821, MONDO:0014222, OMIM 615513.

Allele frequency attached by ClinVar (database versions not stated): gnomAD exomes 0.00001.

Submission:

Labcorp Genetics (formerly Invitae), Labcorp
Classification: Pathogenic for Activated PI3K-delta syndrome. Last evaluated: 2025-06-17. Review status: criteria provided, single submitter. Criteria: Invitae Variant Classification Sherloc (09022015). Collection method: clinical testing. Allele origin: germline.
Comment: This sequence change creates a premature translational stop signal (p.Cys257Leufs*32) in the PIK3CD gene. It is expected to result in an absent or disrupted protein product. Loss-of-function variants in PIK3CD are known to be pathogenic (PMID: 30040974, 31073077). This variant is not present in population databases (gnomAD no frequency). This variant has not been reported in the literature in individuals affected with PIK3CD-related conditions. ClinVar contains an entry for this variant (Variation ID: 2077526). For these reasons, this variant has been classified as Pathogenic.

Literature cited by the submitters: PubMed 30040974; PubMed 31073077.

NM_005026.5(PIK3CD):c.767dup (p.Cys257fs)

Gene: PIK3CD (phosphatidylinositol-4,5-bisphosphate 3-kinase catalytic subunit delta; plus strand). Cytogenetic location: 1p36.22.
Variant type: Duplication.
Coding change: c.767dup on transcript NM_005026.5 (MANE Select); coding-DNA position 767, one base duplicated (T; older notation c.767dupT).
Protein change: p.Cys257fs; shifts the reading frame from cysteine 257.
Molecular consequence: frameshift variant.
Genome position (GRCh38, 1-based): chr1:9,716,606, T duplicated. VCF-style (leftmost placement, unchanged base first): chr1-9716605-C-CT. GRCh37 (hg19) VCF-style: chr1-9776663-C-CT.
Other names: c.767dup, p.Cys257fs (NM_001350234.2, NM_001350235.1); short protein forms C257fs.
Identifiers: ClinVar variation 2077526 (VCV002077526.4), dbSNP rs2524842577, ClinGen allele CA2580062570.